The following is an entry in ClinVar:

NM_005585.5(SMAD6):c.49C>A (p.Arg17Ser)

Gene: SMAD6 (SMAD family member 6; plus strand). Cytogenetic location: 15q22.31.
Variant type: single nucleotide variant.
Coding change: c.49C>A on transcript NM_005585.5 (MANE Select); coding-DNA position 49, C replaced by A.
Protein change: p.Arg17Ser; replaces arginine 17 with serine.
Molecular consequence: missense variant. On other transcripts: non-coding transcript variant (1).
Genome position (GRCh38, 1-based): chr15:66,703,307, C>A. VCF-style: chr15-66703307-C-A. GRCh37 (hg19) VCF-style: chr15-66995645-C-A.
Other names: short protein forms R17S.
Identifiers: ClinVar variation 1744660 (VCV001744660.2), dbSNP rs1278457617, ClinGen allele CA392948374.
Genomic context (GRCh38, chr15:66,703,307, plus strand): 5'-AAAGGATATCGTATGTTCAGGTCCAAACGCTCGGGGCTGGTGCGGCGACTTTGGCGAAGT[C>A]GTGTGGTCCCCGACCGGGAGGAAGGCGGCAGCGGCGGCGGCGGTGGCGGCGACGAGGATG-3'
Protein context (NP_005576.3, residues 7-27): SGLVRRLWRS[Arg17Ser]VVPDREEGGS

ClinVar aggregate classification (germline): Uncertain significance (1 of 4 stars; one submission).

Conditions:
Inborn genetic diseases. Identifiers: MedGen C0950123, MeSH D030342.

Allele frequency attached by ClinVar (database versions not stated): TOPMed below 0.00001.

Submission:

Ambry Genetics
Classification: Uncertain significance for Inborn genetic diseases. Last evaluated: 2022-07-06. Review status: criteria provided, single submitter. Criteria: Ambry Variant Classification Scheme 2023. Collection method: clinical testing. Allele origin: germline.
Comment: The p.R17S variant (also known as c.49C>A), located in coding exon 1 of the SMAD6 gene, results from a C to A substitution at nucleotide position 49. The arginine at codon 17 is replaced by serine, an amino acid with dissimilar properties. This amino acid position is conserved. In addition, the in silico prediction for this alteration is inconclusive. Since supporting evidence is limited at this time, the clinical significance of this alteration remains unclear.